The following is an entry in ClinVar:

ClinVar aggregate classification (germline): Likely pathogenic (1 of 4 stars; one submission).

Conditions:
Fanconi anemia (FA). Also called: Fanconi's anemia. Identifiers: Orphanet 84, MedGen C0015625, MeSH D005199, MONDO:0019391.

Submission:

Labcorp Genetics (formerly Invitae), Labcorp
Classification: Likely pathogenic for Fanconi anemia. Last evaluated: 2022-09-19. Review status: criteria provided, single submitter. Criteria: Invitae Variant Classification Sherloc (09022015). Collection method: clinical testing. Allele origin: germline.
Comment: In summary, the currently available evidence indicates that the variant is pathogenic, but additional data are needed to prove that conclusively. Therefore, this variant has been classified as Likely Pathogenic. Algorithms developed to predict the effect of sequence changes on RNA splicing suggest that this variant may disrupt the consensus splice site. This variant has not been reported in the literature in individuals affected with FANCA-related conditions. This variant is not present in population databases (gnomAD no frequency). This sequence change affects an acceptor splice site in intron 23 of the FANCA gene. It is expected to disrupt RNA splicing. Variants that disrupt the donor or acceptor splice site typically lead to a loss of protein function (PMID: 16199547), and loss-of-function variants in FANCA are known to be pathogenic (PMID: 19367192).

Literature cited by the submitters: PubMed 16199547; PubMed 19367192.

NM_000135.4(FANCA):c.2152-1G>A

Gene: FANCA (FA complementation group A; minus strand). Cytogenetic location: 16q24.3.
Variant type: single nucleotide variant.
Coding change: c.2152-1G>A on transcript NM_000135.4 (MANE Select); the canonical splice acceptor site of the intron before coding-DNA position 2152, G replaced by A.
Molecular consequence: splice acceptor variant.
Genome position (GRCh38, 1-based): chr16:89,770,635, C>T on the plus strand (G>A on the coding strand, the complement: FANCA is on the minus strand). VCF-style: chr16-89770635-C-T. GRCh37 (hg19) VCF-style: chr16-89837043-C-T.
Other names: c.2152-1G>A (NM_001286167.3).
Identifiers: ClinVar variation 2160511 (VCV002160511.4), dbSNP rs2143340252, ClinGen allele CA397447442.